The following is an entry in ClinVar:

ClinVar aggregate classification (germline): Uncertain significance (1 of 4 stars; one submission).

Conditions:
Inborn genetic diseases. Identifiers: MedGen C0950123, MeSH D030342.

Submission:

Ambry Genetics
Classification: Uncertain significance for Inborn genetic diseases. Last evaluated: 2021-06-30. Review status: criteria provided, single submitter. Criteria: Ambry Variant Classification Scheme 2023. Collection method: clinical testing. Allele origin: germline.
Comment: The c.202G>C (p.G68R) alteration is located in exon 5 (coding exon 4) of the NFKB1 gene. This alteration results from a G to C substitution at nucleotide position 202, causing the glycine (G) at amino acid position 68 to be replaced by an arginine (R). Based on data from the Genome Aggregation Database (gnomAD), the NFKB1 c.202G>C alteration was not observed, with coverage at this position. This amino acid position is highly conserved in available vertebrate species. The in silico prediction for the p.G68R alteration is inconclusive. Based on insufficient or conflicting evidence, the clinical significance of this alteration remains unclear.

NM_003998.4(NFKB1):c.202G>C (p.Gly68Arg)

Gene: NFKB1 (nuclear factor kappa B subunit 1; plus strand). Cytogenetic location: 4q24.
Variant type: single nucleotide variant.
Coding change: c.202G>C on transcript NM_003998.4 (MANE Select); coding-DNA position 202, G replaced by C.
Protein change: p.Gly68Arg; replaces glycine 68 with arginine.
Molecular consequence: missense variant.
Genome position (GRCh38, 1-based): chr4:102,537,900, G>C. VCF-style: chr4-102537900-G-C. GRCh37 (hg19) VCF-style: chr4-103459057-G-C.
Other names: c.199G>C, p.Gly67Arg (NM_001165412.2, NM_001319226.2, NM_001382627.1); c.202G>C, p.Gly68Arg (NM_001382625.1, NM_001382626.1); c.160G>C, p.Gly54Arg (NM_001382628.1); short protein forms G54R, G68R, G67R.
Identifiers: ClinVar variation 2234106 (VCV002234106.2), dbSNP rs2149127915, ClinGen allele CA357957695.